The following is an entry in ClinVar:

ClinVar aggregate classification (germline): Uncertain significance (1 of 4 stars; one submission).

Submission:

Labcorp Genetics (formerly Invitae), Labcorp
Classification: Uncertain significance. Last evaluated: 2025-05-07. Review status: criteria provided, single submitter. Criteria: Invitae Variant Classification Sherloc (09022015). Collection method: clinical testing. Allele origin: germline.
Comment: This sequence change replaces alanine, which is neutral and non-polar, with threonine, which is neutral and polar, at codon 654 of the MSH3 protein (p.Ala654Thr). This variant is not present in population databases (gnomAD no frequency). This variant has not been reported in the literature in individuals affected with MSH3-related conditions. An algorithm developed to predict the effect of missense changes on protein structure and function outputs the following: PolyPhen-2: "Benign". The threonine amino acid residue is found in multiple mammalian species, which suggests that this missense change does not adversely affect protein function. In summary, the available evidence is currently insufficient to determine the role of this variant in disease. Therefore, it has been classified as a Variant of Uncertain Significance.

NM_002439.5(MSH3):c.1960G>A (p.Ala654Thr)

Gene: MSH3 (mutS homolog 3; plus strand). Cytogenetic location: 5q14.1.
Variant type: single nucleotide variant.
Coding change: c.1960G>A on transcript NM_002439.5 (MANE Select); coding-DNA position 1960, G replaced by A.
Protein change: p.Ala654Thr; replaces alanine 654 with threonine.
Molecular consequence: missense variant.
Genome position (GRCh38, 1-based): chr5:80,767,996, G>A. VCF-style: chr5-80767996-G-A. GRCh37 (hg19) VCF-style: chr5-80063815-G-A.
Other names: short protein forms A654T.
Identifiers: ClinVar variation 4703856 (VCV004703856.1).